The following is an entry in ClinVar:

ClinVar aggregate classification (germline): Uncertain significance (1 of 4 stars; one submission).

Conditions:
T-B+ severe combined immunodeficiency due to JAK3 deficiency. Also called: SCID, autosomal recessive, T-negative/B-positive type; SCID, T CELL-NEGATIVE, B CELL-POSITIVE, NK CELL-NEGATIVE. Identifiers: Orphanet 35078, MedGen C1833275, MONDO:0010938, OMIM 600802.

Submission:

Labcorp Genetics (formerly Invitae), Labcorp
Classification: Uncertain significance for T-B+ severe combined immunodeficiency due to JAK3 deficiency. Last evaluated: 2023-10-13. Review status: criteria provided, single submitter. Criteria: Invitae Variant Classification Sherloc (09022015). Collection method: clinical testing. Allele origin: germline.
Comment: This variant, c.2000_2002del, results in the deletion of 1 amino acid(s) of the JAK3 protein (p.Ile667del), but otherwise preserves the integrity of the reading frame. This variant is not present in population databases (gnomAD no frequency). This variant has been observed in individual(s) with severe combined immunodeficiency (Invitae). In at least one individual the data is consistent with being in trans (on the opposite chromosome) from a pathogenic variant. Experimental studies and prediction algorithms are not available or were not evaluated, and the functional significance of this variant is currently unknown. In summary, the available evidence is currently insufficient to determine the role of this variant in disease. Therefore, it has been classified as a Variant of Uncertain Significance.

NM_000215.4(JAK3):c.1997TCA[1] (p.Ile667del)

Gene: JAK3 (Janus kinase 3; minus strand). Cytogenetic location: 19p13.11.
Variant type: Microsatellite.
Coding change: c.1997TCA[1] on transcript NM_000215.4 (MANE Select); one copy of the 3-base unit TCA starting at c.1997; the reference has two copies in a row; one copy, 3 bases deleted.
Protein change: p.Ile667del; deletes isoleucine 667.
Molecular consequence: inframe deletion.
Genome position (GRCh38, 1-based): chr19:17,835,128-17,835,130, TGA deleted on the plus strand (TCA on the coding strand, the reverse complement: JAK3 is on the minus strand); deleting any 3 consecutive bases within chr19:17,835,128-17,835,133 gives the same sequence; the position shown is the placement nearest the transcript's 3' end. VCF-style (leftmost placement, unchanged base first): chr19-17835127-TTGA-T. GRCh37 (hg19) VCF-style: chr19-17945936-TTGA-T.
Other names: short protein forms I667del.
Identifiers: ClinVar variation 1390206 (VCV001390206.6), dbSNP rs2147682930, ClinGen allele CA2580613088.
Genomic context (GRCh38, chr19:17,835,127, plus strand): 5'-ACCTCCAGGAACTTACTCTCCAGGCTTAACACAGCGGGGCTGACCCCAGGGTCACTCAGC[TTGA>T]TGAAGGGCGGGCTCCCATCAGCCCCCTCCCGAGCCAGGAGCACCTTCCGGGCAGAGACAT-3'